The following is an entry in ClinVar:

NM_002128.7(HMGB1):c.342del (p.Gly115fs)

Gene: HMGB1 (high mobility group box 1; minus strand). Cytogenetic location: 13q12.3.
Variant type: Deletion.
Coding change: c.342del on transcript NM_002128.7 (MANE Select); coding-DNA position 342, one base deleted (A; older notation c.342delA).
Protein change: p.Gly115fs; shifts the reading frame from glycine 115.
Molecular consequence: frameshift variant.
Genome position (GRCh38, 1-based): chr13:30,462,667, T deleted on the plus strand (A on the coding strand, the reverse complement: HMGB1 is on the minus strand); the first of 3 consecutive T bases (chr13:30,462,667-30,462,669); deleting any one gives the same sequence. VCF-style (leftmost placement, unchanged base first): chr13-30462666-CT-C. GRCh37 (hg19) VCF-style: chr13-31036803-CT-C.
Other names: NM_001363661.2:c.342del; c.342del, p.Gly115fs (NM_001313892.2, NM_001313893.1, NM_001363661.2 and 3 more transcripts); short protein forms G115fs.
Identifiers: ClinVar variation 3383274 (VCV003383274.1).

ClinVar aggregate classification (germline): Uncertain significance (1 of 4 stars; one submission).

Conditions:
Neurodevelopmental disorder. Identifiers: MedGen C1535926, MeSH D065886, MONDO:0700092.

Submission:

Broad Center for Mendelian Genomics, Broad Institute of MIT and Harvard
Classification: Uncertain significance for Neurodevelopmental disorder. Last evaluated: 2024-11-21. Review status: criteria provided, single submitter. Criteria: ACMG Guidelines, 2015. Collection method: curation. Allele origin: germline. Inheritance: Autosomal dominant inheritance. Study: GREGoR Consortium.
Comment: While this gene is still lacking sufficient evidence to establish a gene-disease relationship, we believe this is a possible novel gene candidate for neurodevelopmental disorders. Given the limited information about this gene-disease relationship, the significance of the p.Gly115GlufsTer37 variant is uncertain. If you have any additional information about functional evidence or other individuals with this phenotype that also have variants in HMGB1 we encourage you to reach out to us.